The following is an entry in ClinVar:

NM_000179.3(MSH6):c.2458A>G (p.Arg820Gly)

Gene: MSH6 (mutS homolog 6; plus strand). Cytogenetic location: 2p16.3.
Variant type: single nucleotide variant.
Coding change: c.2458A>G on transcript NM_000179.3 (MANE Select); coding-DNA position 2458, A replaced by G.
Protein change: p.Arg820Gly; replaces arginine 820 with glycine.
Molecular consequence: missense variant.
Genome position (GRCh38, 1-based): chr2:47,800,441, A>G. VCF-style: chr2-47800441-A-G. GRCh37 (hg19) VCF-style: chr2-48027580-A-G.
Other names: c.1552A>G, p.Arg518Gly (NM_001281493.2, NM_001281494.2); c.2068A>G, p.Arg690Gly (NM_001281492.2); short protein forms R518G, R690G, R820G.
Identifiers: ClinVar variation 821309 (VCV000821309.4), dbSNP rs1572727259, ClinGen allele CA346754084.

ClinVar aggregate classification (germline): Uncertain significance (1 of 4 stars; one submission).

Conditions:
Hereditary cancer-predisposing syndrome. Also called: Neoplastic Syndromes, Hereditary; Tumor predisposition; Hereditary Cancer Syndrome; Hereditary neoplastic syndrome. Identifiers: Orphanet 140162, MedGen C0027672, MeSH D009386, MONDO:0015356.

Submission:

Ambry Genetics
Classification: Uncertain significance for Hereditary cancer-predisposing syndrome. Last evaluated: 2024-01-10. Review status: criteria provided, single submitter. Criteria: Ambry Variant Classification Scheme 2023. Collection method: clinical testing. Allele origin: germline.
Comment: The p.R820G variant (also known as c.2458A>G), located in coding exon 4 of the MSH6 gene, results from an A to G substitution at nucleotide position 2458. The arginine at codon 820 is replaced by glycine, an amino acid with dissimilar properties. This amino acid position is highly conserved in available vertebrate species. In addition, this alteration is predicted to be deleterious by in silico analysis. Since supporting evidence is limited at this time, the clinical significance of this alteration remains unclear.